The following is an entry in ClinVar:

NM_001040108.2(MLH3):c.3538C>A (p.Arg1180Ser)

Gene: MLH3 (mutL homolog 3; minus strand). Cytogenetic location: 14q24.3.
Variant type: single nucleotide variant.
Coding change: c.3538C>A on transcript NM_001040108.2 (MANE Select); coding-DNA position 3538, C replaced by A.
Protein change: p.Arg1180Ser; replaces arginine 1180 with serine.
Molecular consequence: missense variant.
Genome position (GRCh38, 1-based): chr14:75,039,943, G>T on the plus strand (C>A on the coding strand, the complement: MLH3 is on the minus strand). VCF-style: chr14-75039943-G-T. GRCh37 (hg19) VCF-style: chr14-75506646-G-T.
Other names: c.3538C>A, p.Arg1180Ser (NM_014381.3); short protein forms R1180S.
Identifiers: ClinVar variation 1732421 (VCV001732421.2), dbSNP rs761024324, ClinGen allele CA390428515.

ClinVar aggregate classification (germline): Uncertain significance (1 of 4 stars; one submission).

Submission:

Ambry Genetics
Classification: Uncertain significance. Last evaluated: 2022-07-11. Review status: criteria provided, single submitter. Criteria: Ambry Variant Classification Scheme 2023. Collection method: clinical testing. Allele origin: germline.
Comment: The p.R1180S variant (also known as c.3538C>A), located in coding exon 4 of the MLH3 gene, results from a C to A substitution at nucleotide position 3538. The arginine at codon 1180 is replaced by serine, an amino acid with dissimilar properties. This amino acid position is conserved. In addition, this alteration is predicted to be deleterious by in silico analysis. Since supporting evidence is limited at this time, the clinical significance of this alteration remains unclear.